The following is an entry in ClinVar:

ClinVar aggregate classification (germline): Uncertain significance (1 of 4 stars; one submission).

Submission:

Labcorp Genetics (formerly Invitae), Labcorp
Classification: Uncertain significance. Last evaluated: 2025-10-16. Review status: criteria provided, single submitter. Criteria: Invitae Variant Classification Sherloc (09022015). Collection method: clinical testing. Allele origin: germline.
Comment: This sequence change replaces serine, which is neutral and polar, with glycine, which is neutral and non-polar, at codon 860 of the ROR2 protein (p.Ser860Gly). This variant is not present in population databases (gnomAD no frequency). This variant has not been reported in the literature in individuals affected with ROR2-related conditions. Invitae Evidence Modeling of protein sequence and biophysical properties (such as structural, functional, and spatial information, amino acid conservation, physicochemical variation, residue mobility, and thermodynamic stability) indicates that this missense variant is not expected to disrupt ROR2 protein function with a negative predictive value of 95%. In summary, the available evidence is currently insufficient to determine the role of this variant in disease. Therefore, it has been classified as a Variant of Uncertain Significance.

NM_004560.4(ROR2):c.2578A>G (p.Ser860Gly)

Gene: ROR2 (receptor tyrosine kinase like orphan receptor 2; minus strand). Cytogenetic location: 9q22.31.
Variant type: single nucleotide variant.
Coding change: c.2578A>G on transcript NM_004560.4 (MANE Select); coding-DNA position 2578, A replaced by G.
Protein change: p.Ser860Gly; replaces serine 860 with glycine.
Molecular consequence: missense variant.
Genome position (GRCh38, 1-based): chr9:91,723,916, T>C on the plus strand (A>G on the coding strand, the complement: ROR2 is on the minus strand). VCF-style: chr9-91723916-T-C. GRCh37 (hg19) VCF-style: chr9-94486198-T-C.
Other names: short protein forms S860G.
Identifiers: ClinVar variation 4809472 (VCV004809472.1).